The following is an entry in ClinVar:

NM_001079802.2(FKTN):c.444C>T (p.Asp148=)

Gene: FKTN (fukutin; plus strand). Cytogenetic location: 9q31.2.
Variant type: single nucleotide variant.
Coding change: c.444C>T on transcript NM_001079802.2 (MANE Select); coding-DNA position 444, C replaced by T.
Protein change: p.Asp148=; no amino-acid change (aspartic acid 148 retained).
Molecular consequence: synonymous variant. On other transcripts: non-coding transcript variant (2).
Genome position (GRCh38, 1-based): chr9:105,604,289, C>T. VCF-style: chr9-105604289-C-T. GRCh37 (hg19) VCF-style: chr9-108366570-C-T.
Other names: c.444C>T, p.Asp148= (NM_001198963.2, NM_001351496.2, NM_001351498.2 and 1 more transcripts); c.375C>T, p.Asp125= (NM_001351497.2); c.48C>T, p.Asp16= (NM_001351499.2, NM_001351500.2, NM_001351501.2 and 1 more transcripts).
Identifiers: ClinVar variation 518943 (VCV000518943.21), dbSNP rs759808323, ClinGen allele CA5170414.

ClinVar aggregate classification (germline): Likely benign. Review status: criteria provided, multiple submitters, no conflicts (2 of 4 stars). 6 submissions from 6 submitters: Likely benign (6). Last evaluated 2026-03-01.

Conditions:
Cardiovascular phenotype. Identifiers: MedGen CN230736.
Walker-Warburg congenital muscular dystrophy. Also called: Muscular dystrophy-dystroglycanopathy, type A; Walker-Warburg syndrome. Identifiers: Orphanet 899, MedGen C0265221, MONDO:0000171.

Allele frequency attached by ClinVar (database versions not stated): TOPMed 0.00001; ExAC 0.00002; gnomAD exomes 0.00002; gnomAD 0.00003 and 0.00004.
gnomAD v4.1: 35 of 1,613,522 alleles (0.0022%); highest among the groups gnomAD compares: South Asian, 0.0055%; no homozygotes.

Submissions (6):

CeGaT Center for Human Genetics Tuebingen
Classification: Likely benign. Last evaluated: 2026-03-01. Review status: criteria provided, single submitter. Criteria: CeGaT Center For Human Genetics Tuebingen Variant Classification Criteria Version 2. Collection method: clinical testing. Allele origin: germline. Affected: yes. Observed: 1 variant allele.
Comment: FKTN: BP4, BP7

Labcorp Genetics (formerly Invitae), Labcorp
Classification: Likely benign for Walker-Warburg congenital muscular dystrophy. Last evaluated: 2025-11-26. Review status: criteria provided, single submitter. Criteria: Invitae Variant Classification Sherloc (09022015). Collection method: clinical testing. Allele origin: germline.

ARUP Laboratories, Molecular Genetics and Genomics, ARUP Laboratories
Classification: Likely benign. Last evaluated: 2025-03-13. Review status: criteria provided, single submitter. Criteria: ARUP Molecular Germline Variant Investigation Process 2024. Collection method: clinical testing. Allele origin: germline.

Blueprint Genetics
Classification: Likely benign. Last evaluated: 2024-05-23. Review status: criteria provided, single submitter. Criteria: ACMG Guidelines, 2015. Collection method: clinical testing. Allele origin: germline.

Women's Health and Genetics/Laboratory Corporation of America, LabCorp
Classification: Likely benign. Last evaluated: 2022-04-09. Review status: criteria provided, single submitter. Criteria: LabCorp Variant Classification Summary - May 2015. Collection method: clinical testing. Allele origin: germline.

Ambry Genetics
Classification: Likely benign for Cardiovascular phenotype. Last evaluated: 2016-09-16. Review status: criteria provided, single submitter. Criteria: Ambry Variant Classification Scheme 2023. Collection method: clinical testing. Allele origin: germline.